The following is an entry in ClinVar:

ClinVar aggregate classification (germline): Pathogenic (1 of 4 stars; one submission).

Conditions:
Familial adenomatous polyposis 1 (FAP1). Also called: FAMILIAL ADENOMATOUS POLYPOSIS 1, ATTENUATED; POLYPOSIS, ADENOMATOUS INTESTINAL. Identifiers: MedGen C2713442, MONDO:0021056, OMIM 175100. Disease mechanism: loss of function.

Submission:

Myriad Genetics, Inc.
Classification: Pathogenic for Familial adenomatous polyposis 1. Last evaluated: 2023-05-10. Review status: criteria provided, single submitter. Criteria: Myriad Autosomal Dominant, Autosomal Recessive and X-Linked Classification Criteria (2023). Collection method: clinical testing. Allele origin: unknown.
Comment: This variant is considered pathogenic. This variant creates a frameshift predicted to result in premature protein truncation.

NM_000038.6(APC):c.4408delinsAC (p.Ala1470fs)

Gene: APC (APC regulator of Wnt signaling pathway; plus strand). Cytogenetic location: 5q22.2.
Variant type: Indel.
Coding change: c.4408delinsAC on transcript NM_000038.6 (MANE Select); coding-DNA position 4408, G replaced by AC.
Protein change: p.Ala1470fs; shifts the reading frame from alanine 1470.
Molecular consequence: frameshift variant. On other transcripts: non-coding transcript variant (2).
Genome position (GRCh38, 1-based): chr5:112,840,002, G replaced by AC. VCF-style: chr5-112840002-G-AC. GRCh37 (hg19) VCF-style: chr5-112175699-G-AC.
Other names: c.4408delinsAC, p.Ala1470fs (NM_001127510.3, NM_001354895.2, NM_001407450.1); c.4354delinsAC, p.Ala1452fs (NM_001127511.3); c.4462delinsAC, p.Ala1488fs (NM_001354896.2, NM_001407447.1, NM_001407448.1 and 1 more transcripts); c.4438delinsAC, p.Ala1480fs (NM_001354897.2); c.4333delinsAC, p.Ala1445fs (NM_001354898.2); c.4324delinsAC, p.Ala1442fs (NM_001354899.2); c.4285delinsAC, p.Ala1429fs (NM_001354900.2); c.4231delinsAC, p.Ala1411fs (NM_001354901.2, NM_001407453.1); and 11 more; short protein forms A1086fs, A1187fs, A1310fs, A1341fs, A1344fs, A1369fs, A1379fs, A1387fs.
Identifiers: ClinVar variation 2584030 (VCV002584030.1), dbSNP rs2533572948, ClinGen allele CA2582341297.